The following is an entry in ClinVar:

ClinVar aggregate classification (germline): Likely benign (1 of 4 stars; one submission).

Allele frequency attached by ClinVar (database versions not stated): 1000 Genomes Project 30x 0.00203; 1000 Genomes Project 0.00220; TOPMed 0.00391; gnomAD 0.00437; ESP Exome Variant Server 0.00469; ExAC 0.00704.
gnomAD v4.1: 10,770 of 1,612,014 alleles (0.67%); highest among the groups gnomAD compares: South Asian, 0.79%; 55 homozygotes.

Submission:

CeGaT Center for Human Genetics Tuebingen
Classification: Likely benign. Last evaluated: 2022-10-01. Review status: criteria provided, single submitter. Criteria: CeGaT Center For Human Genetics Tuebingen Variant Classification Criteria Version 2. Collection method: clinical testing. Allele origin: germline. Affected: yes. Observed: 1 variant allele.
Comment: ZZEF1: BS2

NM_015113.4(ZZEF1):c.764A>G (p.Tyr255Cys)

Gene: ZZEF1 (zinc finger ZZ-type and EF-hand domain containing 1; minus strand). Cytogenetic location: 17p13.2.
Variant type: single nucleotide variant.
Coding change: c.764A>G on transcript NM_015113.4 (MANE Select); coding-DNA position 764, A replaced by G.
Protein change: p.Tyr255Cys; replaces tyrosine 255 with cysteine.
Molecular consequence: missense variant.
Genome position (GRCh38, 1-based): chr17:4,114,401, T>C on the plus strand (A>G on the coding strand, the complement: ZZEF1 is on the minus strand). VCF-style: chr17-4114401-T-C. GRCh37 (hg19) VCF-style: chr17-4017695-T-C.
Other names: short protein forms Y255C.
Identifiers: ClinVar variation 2647250 (VCV002647250.24), dbSNP rs138134000, ClinGen allele CA8300237.